The following is an entry in ClinVar:

ClinVar aggregate classification (germline): Pathogenic (1 of 4 stars; one submission).

Allele frequency attached by ClinVar (database versions not stated): gnomAD 0.00001; gnomAD exomes 0.00001; TOPMed 0.00001; ExAC 0.00002.

Submission:

Labcorp Genetics (formerly Invitae), Labcorp
Classification: Pathogenic. Last evaluated: 2022-06-28. Review status: criteria provided, single submitter. Criteria: Invitae Variant Classification Sherloc (09022015). Collection method: clinical testing. Allele origin: germline.
Comment: This sequence change creates a premature translational stop signal (p.Gln134*) in the CFAP65 gene. It is expected to result in an absent or disrupted protein product. Loss-of-function variants in CFAP65 are known to be pathogenic (PMID: 31413122, 31501240). This variant is present in population databases (rs747889116, gnomAD 0.01%). This variant has not been reported in the literature in individuals affected with CFAP65-related conditions. Algorithms developed to predict the effect of sequence changes on RNA splicing suggest that this variant may disrupt the consensus splice site. For these reasons, this variant has been classified as Pathogenic.

Literature cited by the submitters: PubMed 31413122; PubMed 31501240.

NM_194302.4(CFAP65):c.400C>T (p.Gln134Ter)

Gene: CFAP65 (cilia and flagella associated protein 65; minus strand). Cytogenetic location: 2q35.
Variant type: single nucleotide variant.
Coding change: c.400C>T on transcript NM_194302.4 (MANE Select); coding-DNA position 400, C replaced by T.
Protein change: p.Gln134Ter; replaces glutamine 134 with a stop codon.
Molecular consequence: nonsense.
Genome position (GRCh38, 1-based): chr2:219,035,622, G>A on the plus strand (C>T on the coding strand, the complement: CFAP65 is on the minus strand). VCF-style: chr2-219035622-G-A. GRCh37 (hg19) VCF-style: chr2-219900344-G-A.
Other names: c.367C>T, p.Gln123Ter (NM_001278295.1); c.205C>T, p.Gln69Ter (NM_001278296.2, NM_152389.4); short protein forms Q123*, Q134*, Q69*.
Identifiers: ClinVar variation 2066848 (VCV002066848.1), dbSNP rs747889116, ClinGen allele CA2116354.